The following is an entry in ClinVar:

ClinVar aggregate classification (germline): Uncertain significance (1 of 4 stars; one submission).

Conditions:
Cardiovascular phenotype. Identifiers: MedGen CN230736.

Allele frequency attached by ClinVar (database versions not stated): ExAC 0.00001; gnomAD 0.00001; gnomAD exomes 0.00001.
gnomAD v4.1: 4 of 1,613,854 alleles (0.00025%); no homozygotes.

Submission:

Ambry Genetics
Classification: Uncertain significance for Cardiovascular phenotype. Last evaluated: 2022-10-07. Review status: criteria provided, single submitter. Criteria: Ambry Variant Classification Scheme 2023. Collection method: clinical testing. Allele origin: germline.
Comment: The p.P2795T variant (also known as c.8383C>A), located in coding exon 33 of the AKAP9 gene, results from a C to A substitution at nucleotide position 8383. The proline at codon 2795 is replaced by threonine, an amino acid with highly similar properties. This amino acid position is not well conserved in available vertebrate species. In addition, this alteration is predicted to be tolerated by in silico analysis. The evidence for this gene-disease relationship is limited; therefore, the clinical significance of this alteration is unclear.

NM_005751.5(AKAP9):c.8383C>A (p.Pro2795Thr)

Gene: AKAP9 (A-kinase anchoring protein 9; plus strand). Cytogenetic location: 7q21.2.
Variant type: single nucleotide variant.
Coding change: c.8383C>A on transcript NM_005751.5 (MANE Select); coding-DNA position 8383, C replaced by A.
Protein change: p.Pro2795Thr; replaces proline 2795 with threonine.
Molecular consequence: missense variant.
Genome position (GRCh38, 1-based): chr7:92,083,392, C>A. VCF-style: chr7-92083392-C-A. GRCh37 (hg19) VCF-style: chr7-91712706-C-A.
Other names: c.3028C>A, p.Pro1010Thr (NM_001379277.1); c.8359C>A, p.Pro2787Thr (NM_147185.3); short protein forms P2787T, P2795T, P1010T.
Identifiers: ClinVar variation 1763169 (VCV001763169.2), dbSNP rs764675849, ClinGen allele CA4337478.